The following is an entry in ClinVar:

ClinVar aggregate classification (germline): Uncertain significance (1 of 4 stars; one submission).

Conditions:
Familial thoracic aortic aneurysm and aortic dissection (TAAD). Also called: Thoracic aortic aneurysms and dissections. Identifiers: Orphanet 91387, MedGen C4707243, MONDO:0019625.

Submission:

Ambry Genetics
Classification: Uncertain significance for Familial thoracic aortic aneurysm and aortic dissection. Last evaluated: 2024-11-16. Review status: criteria provided, single submitter. Criteria: Ambry Variant Classification Scheme 2023. Collection method: clinical testing. Allele origin: germline.
Comment: The c.5026-5A>G intronic variant results from an A to G substitution 5 nucleotides upstream from coding exon 37 in the MED12 gene. This nucleotide position is not well conserved in available vertebrate species. In silico splice site analysis predicts that this alteration may result in the creation or strengthening of a novel splice acceptor site. Based on the available evidence, the clinical significance of this variant remains unclear.

NM_005120.3(MED12):c.5026-5A>G

Gene: MED12 (mediator complex subunit 12; plus strand). Cytogenetic location: Xq13.1.
Variant type: single nucleotide variant.
Coding change: c.5026-5A>G on transcript NM_005120.3 (MANE Select); 5 bases into the intron before coding-DNA position 5026, A replaced by G.
Molecular consequence: intron variant.
Genome position (GRCh38, 1-based): chrX:71,136,276, A>G. VCF-style: chrX-71136276-A-G. GRCh37 (hg19) VCF-style: chrX-70356126-A-G.
Identifiers: ClinVar variation 3394501 (VCV003394501.1).
Genomic context (GRCh38, chrX:71,136,276, plus strand): 5'-CAAATGCTTGCAGTCTTCTGTTTTCTAAGTCCCAACAGCTTATTGTTTTTCATTTTCTGG[A>G]GCAGGGTCTACAGGTTTCCACCAAACAGAAGATCTCGCCCTGGGATCTTTTTGAGGGGTT-3'